The following is an entry in ClinVar:

NM_005515.4(MNX1):c.122C>T (p.Thr41Ile)

Gene: MNX1 (motor neuron and pancreas homeobox 1; minus strand). Cytogenetic location: 7q36.3.
Variant type: single nucleotide variant.
Coding change: c.122C>T on transcript NM_005515.4 (MANE Select); coding-DNA position 122, C replaced by T.
Protein change: p.Thr41Ile; replaces threonine 41 with isoleucine.
Molecular consequence: missense variant.
Genome position (GRCh38, 1-based): chr7:157,010,229, G>A on the plus strand (C>T on the coding strand, the complement: MNX1 is on the minus strand). VCF-style: chr7-157010229-G-A. GRCh37 (hg19) VCF-style: chr7-156802923-G-A.
Other names: short protein forms T41I.
Identifiers: ClinVar variation 2788787 (VCV002788787.3), dbSNP rs1357501675, ClinGen allele CA370165206.

ClinVar aggregate classification (germline): Uncertain significance (1 of 4 stars; one submission).

Allele frequency attached by ClinVar (database versions not stated): gnomAD 0.00001; TOPMed 0.00001.

Submission:

Labcorp Genetics (formerly Invitae), Labcorp
Classification: Uncertain significance. Last evaluated: 2022-12-08. Review status: criteria provided, single submitter. Criteria: Invitae Variant Classification Sherloc (09022015). Collection method: clinical testing. Allele origin: germline.
Comment: This variant has not been reported in the literature in individuals affected with MNX1-related conditions. This variant is not present in population databases (gnomAD no frequency). This sequence change replaces threonine, which is neutral and polar, with isoleucine, which is neutral and non-polar, at codon 41 of the MNX1 protein (p.Thr41Ile). In summary, the available evidence is currently insufficient to determine the role of this variant in disease. Therefore, it has been classified as a Variant of Uncertain Significance. Algorithms developed to predict the effect of missense changes on protein structure and function are either unavailable or do not agree on the potential impact of this missense change (SIFT: "Tolerated"; PolyPhen-2: "Not Available"; Align-GVGD: "Class C0").